The following is an entry in ClinVar:

NM_000264.5(PTCH1):c.201+5A>G

Gene: PTCH1 (patched 1; minus strand). Cytogenetic location: 9q22.32.
Variant type: single nucleotide variant.
Coding change: c.201+5A>G on transcript NM_000264.5 (MANE Select); 5 bases into the intron after coding-DNA position 201, A replaced by G.
Molecular consequence: intron variant.
Genome position (GRCh38, 1-based): chr9:95,508,156, T>C on the plus strand (A>G on the coding strand, the complement: PTCH1 is on the minus strand). VCF-style: chr9-95508156-T-C. GRCh37 (hg19) VCF-style: chr9-98270438-T-C.
Other names: c.199-1557A>G (NM_001083603.3); c.4-1557A>G (NM_001083602.3, NM_001354919.2); c.201+5A>G (NM_001354918.2).
Identifiers: ClinVar variation 968641 (VCV000968641.10), dbSNP rs1843883183, ClinGen allele CA1139661025.

ClinVar aggregate classification (germline): Uncertain significance. Review status: criteria provided, multiple submitters, no conflicts (2 of 4 stars). 2 submissions from 2 submitters: Uncertain significance (2). Last evaluated 2025-02-19.

Conditions:
Gorlin syndrome. Also called: Nevoid Basal Cell Carcinoma Syndrome; Basal cell nevus syndrome. Identifiers: Orphanet 377, MedGen C0004779, MONDO:0007187.
Hereditary cancer-predisposing syndrome. Also called: Hereditary neoplastic syndrome; Hereditary Cancer Syndrome; Tumor predisposition; Neoplastic Syndromes, Hereditary. Identifiers: Orphanet 140162, MedGen C0027672, MeSH D009386, MONDO:0015356.

gnomAD v4.1: 3 of 1,612,484 alleles (0.00019%); highest among the groups gnomAD compares: Admixed American, 0.0017%; no homozygotes.

Submissions (2):

Labcorp Genetics (formerly Invitae), Labcorp
Classification: Uncertain significance for Gorlin syndrome. Last evaluated: 2025-02-19. Review status: criteria provided, single submitter. Criteria: Invitae Variant Classification Sherloc (09022015). Collection method: clinical testing. Allele origin: germline.
Comment: This sequence change falls in intron 1 of the PTCH1 gene. It does not directly change the encoded amino acid sequence of the PTCH1 protein. It affects a nucleotide within the consensus splice site. This variant is not present in population databases (gnomAD no frequency). This variant has not been reported in the literature in individuals affected with PTCH1-related conditions. ClinVar contains an entry for this variant (Variation ID: 968641). Variants that disrupt the consensus splice site are a relatively common cause of aberrant splicing (PMID: 17576681, 9536098). Algorithms developed to predict the effect of sequence changes on RNA splicing suggest that this variant is not likely to affect RNA splicing. In summary, the available evidence is currently insufficient to determine the role of this variant in disease. Therefore, it has been classified as a Variant of Uncertain Significance.

Ambry Genetics
Classification: Uncertain significance for Hereditary cancer-predisposing syndrome. Last evaluated: 2022-04-28. Review status: criteria provided, single submitter. Criteria: Ambry Variant Classification Scheme 2023. Collection method: clinical testing. Allele origin: germline.
Comment: The c.201+5A>G intronic variant results from an A to G substitution 5 nucleotides after coding exon 1 in the PTCH1 gene. This nucleotide position is highly conserved in available vertebrate species. In silico splice site analysis predicts that this alteration will not have any significant effect on splicing. Since supporting evidence is limited at this time, the clinical significance of this alteration remains unclear.

Literature cited by the submitters: PubMed 17576681 (cited by Labcorp Genetics (formerly Invitae), Labcorp); PubMed 9536098 (cited by Labcorp Genetics (formerly Invitae), Labcorp).